The following is an entry in ClinVar:

ClinVar aggregate classification (germline): Uncertain significance (1 of 4 stars; one submission).

Submission:

GeneDx
Classification: Uncertain significance. Last evaluated: 2024-08-25. Review status: criteria provided, single submitter. Criteria: GeneDx Variant Classification Process June 2021. Collection method: clinical testing. Allele origin: germline. Affected: yes.
Comment: Not observed at significant frequency in large population cohorts (gnomAD); In silico analysis supports that this missense variant has a deleterious effect on protein structure/function; Has not been previously published as pathogenic or benign to our knowledge; This variant is associated with the following publications: (PMID: 25512093, 25609763, 26100331)

NM_001376.5(DYNC1H1):c.2324A>G (p.Tyr775Cys)

Gene: DYNC1H1 (dynein cytoplasmic 1 heavy chain 1; plus strand). Cytogenetic location: 14q32.31.
Variant type: single nucleotide variant.
Coding change: c.2324A>G on transcript NM_001376.5 (MANE Select); coding-DNA position 2324, A replaced by G.
Protein change: p.Tyr775Cys; replaces tyrosine 775 with cysteine.
Molecular consequence: missense variant.
Genome position (GRCh38, 1-based): chr14:101,986,549, A>G. VCF-style: chr14-101986549-A-G. GRCh37 (hg19) VCF-style: chr14-102452886-A-G.
Other names: short protein forms Y775C.
Identifiers: ClinVar variation 3766268 (VCV003766268.1).